The following is an entry in ClinVar:

ClinVar aggregate classification (germline): Uncertain significance. Review status: criteria provided, multiple submitters, no conflicts (2 of 4 stars). 2 submissions from 2 submitters: Uncertain significance (2). Last evaluated 2026-02-06.

Conditions:
Episodic ataxia type 1 (EA1). Also called: Episodic ataxia/myokymia syndrome; ATAXIA, EPISODIC, WITH MYOKYMIA; MYOKYMIA WITH PERIODIC ATAXIA; PAROXYSMAL ATAXIA WITH NEUROMYOTONIA, HEREDITARY. Identifiers: Orphanet 37612, Orphanet 972, MedGen C1719788, MONDO:0008047, OMIM 160120.

Submissions (2):

GeneDx
Classification: Uncertain significance. Last evaluated: 2026-02-06. Review status: criteria provided, single submitter. Criteria: GeneDx Variant Classification Process June 2021. Collection method: clinical testing. Allele origin: germline.
Comment: Not observed at significant frequency in large population cohorts (gnomAD); In silico analysis supports that this missense variant has a deleterious effect on protein structure/function; Has not been previously published as pathogenic or benign to our knowledge

Labcorp Genetics (formerly Invitae), Labcorp
Classification: Uncertain significance for Episodic ataxia type 1. Last evaluated: 2025-09-24. Review status: criteria provided, single submitter. Criteria: Invitae Variant Classification Sherloc (09022015). Collection method: clinical testing. Allele origin: germline.
Comment: This sequence change replaces arginine, which is basic and polar, with proline, which is neutral and non-polar, at codon 239 of the KCNA1 protein (p.Arg239Pro). This variant is not present in population databases (gnomAD no frequency). This variant has not been reported in the literature in individuals affected with KCNA1-related conditions. Invitae Evidence Modeling of protein sequence and biophysical properties (such as structural, functional, and spatial information, amino acid conservation, physicochemical variation, residue mobility, and thermodynamic stability) indicates that this missense variant is expected to disrupt KCNA1 protein function with a positive predictive value of 95%. In summary, the available evidence is currently insufficient to determine the role of this variant in disease. Therefore, it has been classified as a Variant of Uncertain Significance.

NM_000217.3(KCNA1):c.716G>C (p.Arg239Pro)

Gene: KCNA1 (potassium voltage-gated channel subfamily A member 1; plus strand). Cytogenetic location: 12p13.32.
Variant type: single nucleotide variant.
Coding change: c.716G>C on transcript NM_000217.3 (MANE Select); coding-DNA position 716, G replaced by C.
Protein change: p.Arg239Pro; replaces arginine 239 with proline.
Molecular consequence: missense variant.
Genome position (GRCh38, 1-based): chr12:4,912,094, G>C. VCF-style: chr12-4912094-G-C. GRCh37 (hg19) VCF-style: chr12-5021260-G-C.
Other names: c.716G>C (NM_000217.2); short protein forms R239P.
Identifiers: ClinVar variation 4811471 (VCV004811471.2).